The following is an entry in ClinVar:

ClinVar aggregate classification (germline): Conflicting classifications of pathogenicity. Review status: criteria provided, conflicting classifications (1 of 4 stars). 2 submissions from 2 submitters: Uncertain significance (1); Likely benign (1). Last evaluated 2025-09-28.

Conditions:
Capillary malformation-arteriovenous malformation syndrome. Also called: Capillary malformation-arteriovenous malformation. Identifiers: Orphanet 137667, MedGen C1842180, MONDO:0012016.
Cardiovascular phenotype. Identifiers: MedGen CN230736.

Allele frequency attached by ClinVar (database versions not stated): TOPMed below 0.00001; gnomAD 0.00001; ExAC 0.00006.
gnomAD v4.1: 11 of 1,590,004 alleles (0.00069%); highest among the groups gnomAD compares: South Asian, 0.011%; 1 homozygote.

Submissions (2):

Labcorp Genetics (formerly Invitae), Labcorp
Classification: Uncertain significance for Capillary malformation-arteriovenous malformation syndrome. Last evaluated: 2025-09-28. Review status: criteria provided, single submitter. Criteria: Invitae Variant Classification Sherloc (09022015). Collection method: clinical testing. Allele origin: germline.
Comment: This sequence change replaces glycine, which is neutral and non-polar, with valine, which is neutral and non-polar, at codon 26 of the RASA1 protein (p.Gly26Val). The frequency data for this variant in the population databases is considered unreliable, as metrics indicate poor data quality at this position in the gnomAD database. This variant has not been reported in the literature in individuals affected with RASA1-related conditions. ClinVar contains an entry for this variant (Variation ID: 1760692). An algorithm developed to predict the effect of missense changes on protein structure and function (PolyPhen-2) suggests that this variant is likely to be disruptive. In summary, the available evidence is currently insufficient to determine the role of this variant in disease. Therefore, it has been classified as a Variant of Uncertain Significance.

Ambry Genetics
Classification: Likely benign for Cardiovascular phenotype. Last evaluated: 2021-09-14. Review status: criteria provided, single submitter. Criteria: Ambry Variant Classification Scheme 2023. Collection method: clinical testing. Allele origin: germline.

NM_002890.3(RASA1):c.77G>T (p.Gly26Val)

Gene: RASA1 (RAS p21 protein activator 1; plus strand). Cytogenetic location: 5q14.3.
Variant type: single nucleotide variant.
Coding change: c.77G>T on transcript NM_002890.3 (MANE Select); coding-DNA position 77, G replaced by T.
Protein change: p.Gly26Val; replaces glycine 26 with valine.
Molecular consequence: missense variant.
Genome position (GRCh38, 1-based): chr5:87,268,528, G>T. VCF-style: chr5-87268528-G-T. GRCh37 (hg19) VCF-style: chr5-86564345-G-T.
Other names: short protein forms G26V.
Identifiers: ClinVar variation 1760692 (VCV001760692.4), dbSNP rs765793195, ClinGen allele CA3335318.
Genomic context (GRCh38, chr5:87,268,528, plus strand): 5'-CCGGCAGTGAGGAGGGCGGCCCGGTAACAGCCGGAGCTGGAGGAGGCGGCGCGGCAGCGG[G>T]CTCCAGTGCCTATCCCGCAGTGTGTCGGGTGAAGATACCCGCGGCCCTGCCTGTGGCAGC-3'
Protein context (NP_002881.1, residues 16-36): AGAGGGGAAA[Gly26Val]SSAYPAVCRV